The following is an entry in ClinVar:

ClinVar aggregate classification (germline): Pathogenic. Review status: criteria provided, multiple submitters, no conflicts (2 of 4 stars). 4 submissions from 4 submitters: Pathogenic (2). 2 of the submissions do not count toward it. Last evaluated 2026-09-25.

Conditions:
TNF receptor-associated periodic fever syndrome (TRAPS) (FPF). Also called: TNF Receptor-Associated Periodic Fever Syndrome; TNF receptor 1-associated periodic fever syndrome; TNF RECEPTOR-ASSOCIATED PERIODIC SYNDROME; TUMOR NECROSIS FACTOR RECEPTOR-ASSOCIATED PERIODIC SYNDROME; FAMILIAL HIBERNIAN FEVER; Autosomal Dominant Familial Periodic Fever. Identifiers: Orphanet 32960, MedGen C1275126, MONDO:0007727, OMIM 142680.

Submissions (4):

GeneDx
Classification: Pathogenic. Last evaluated: 2026-09-25. Review status: criteria provided, single submitter. Criteria: GeneDx Variant Classification Process June 2021. Collection method: clinical testing. Allele origin: germline.
Comment: Published functional studies demonstrate a damaging effect with ER retention with affected surface labeling and internalization (PMID: 16684962); In silico analysis supports that this missense variant has a deleterious effect on protein structure/function; Not observed at significant frequency in large population cohorts (gnomAD); This variant is associated with the following publications: (PMID: 19302049, 22566169, 10199409, 11722598, 16684962, 11443543, 41466287, 38515362)

Labcorp Genetics (formerly Invitae), Labcorp
Classification: Pathogenic for TNF receptor-associated periodic fever syndrome (TRAPS). Last evaluated: 2023-08-11. Review status: criteria provided, single submitter. Criteria: Invitae Variant Classification Sherloc (09022015). Collection method: clinical testing. Allele origin: germline.
Comment: This variant disrupts the p.Cys59 amino acid residue in TNFRSF1A. Other variant(s) that disrupt this residue have been determined to be pathogenic (PMID: 1144354, 10902757, 20576331). This suggests that this residue is clinically significant, and that variants that disrupt this residue are likely to be disease-causing. For these reasons, this variant has been classified as Pathogenic. Experimental studies have shown that this missense change affects TNFRSF1A function (PMID: 16684962). Advanced modeling of protein sequence and biophysical properties (such as structural, functional, and spatial information, amino acid conservation, physicochemical variation, residue mobility, and thermodynamic stability) has been performed at Invitae for this missense variant, however the output from this modeling did not meet the statistical confidence thresholds required to predict the impact of this variant on TNFRSF1A protein function. ClinVar contains an entry for this variant (Variation ID: 12337). This variant is also known as C30R. This missense change has been observed in individuals with TNF receptor-associated periodic fever syndrome (TRAPS) (PMID: 10199409, 11722598, 22566169, 23965844). It has also been observed to segregate with disease in related individuals. This variant is not present in population databases (gnomAD no frequency). This sequence change replaces cysteine, which is neutral and slightly polar, with arginine, which is basic and polar, at codon 59 of the TNFRSF1A protein (p.Cys59Arg).

OMIM
Classification: Pathogenic for PERIODIC FEVER, FAMILIAL, AUTOSOMAL DOMINANT. Last evaluated: 1999-04-02. Review status: no assertion criteria provided. Collection method: literature only. Allele origin: germline. Not counted in ClinVar's aggregate classification.

Unité médicale des maladies autoinflammatoires, CHRU Montpellier
No classification provided. Condition: TNF receptor-associated periodic fever syndrome (TRAPS). Review status: no classification provided. Collection method: not provided. Allele origin: unknown. Not counted in ClinVar's aggregate classification.

Literature cited by the submitters: PubMed 1144354 (cited by Labcorp Genetics (formerly Invitae), Labcorp); PubMed 10902757 (cited by Labcorp Genetics (formerly Invitae), Labcorp); PubMed 20576331 (cited by Labcorp Genetics (formerly Invitae), Labcorp); PubMed 16684962 (cited by Labcorp Genetics (formerly Invitae), Labcorp); PubMed 10199409 (cited by Labcorp Genetics (formerly Invitae), Labcorp and OMIM); PubMed 11722598 (cited by Labcorp Genetics (formerly Invitae), Labcorp); PubMed 22566169 (cited by Labcorp Genetics (formerly Invitae), Labcorp); PubMed 23965844 (cited by Labcorp Genetics (formerly Invitae), Labcorp).

NM_001065.4(TNFRSF1A):c.175T>C (p.Cys59Arg)

Gene: TNFRSF1A (TNF receptor superfamily member 1A; minus strand). Cytogenetic location: 12p13.31.
Variant type: single nucleotide variant.
Coding change: c.175T>C on transcript NM_001065.4 (MANE Select); coding-DNA position 175, T replaced by C.
Protein change: p.Cys59Arg; replaces cysteine 59 with arginine.
Molecular consequence: missense variant. On other transcripts: 5 prime UTR variant (1), non-coding transcript variant (1), intron variant (1).
Genome position (GRCh38, 1-based): chr12:6,334,109, A>G on the plus strand (T>C on the coding strand, the complement: TNFRSF1A is on the minus strand). VCF-style: chr12-6334109-A-G. GRCh37 (hg19) VCF-style: chr12-6443275-A-G.
Other names: C30R; c.-403T>C (NM_001346092.2); c.-131-244T>C (NM_001346091.2); short protein forms C59R.
Identifiers: ClinVar variation 12337 (VCV000012337.13), dbSNP rs104895217, ClinGen allele CA280149.